The following is an entry in ClinVar:

NM_020843.4(SCAPER):c.1599A>G (p.Ser533=)

Gene: SCAPER (S-phase cyclin A associated protein in the ER; minus strand). Cytogenetic location: 15q24.3.
Variant type: single nucleotide variant.
Coding change: c.1599A>G on transcript NM_020843.4 (MANE Select); coding-DNA position 1599, A replaced by G.
Protein change: p.Ser533=; no amino-acid change (serine 533 retained).
Molecular consequence: synonymous variant. On other transcripts: non-coding transcript variant (1).
Genome position (GRCh38, 1-based): chr15:76,765,351, T>C on the plus strand (A>G on the coding strand, the complement: SCAPER is on the minus strand). VCF-style: chr15-76765351-T-C. GRCh37 (hg19) VCF-style: chr15-77057692-T-C.
Other names: c.861A>G, p.Ser287= (NM_001145923.2); c.1617A>G, p.Ser539= (NM_001353009.2); c.1197A>G, p.Ser399= (NM_001353010.2, NM_001353012.2); c.1215A>G, p.Ser405= (NM_001353011.2).
Identifiers: ClinVar variation 4992819 (VCV004992819.1).

ClinVar aggregate classification (germline): Likely benign (1 of 4 stars; one submission).

Conditions:
SCAPER-related disorder. Also called: SCAPER-related condition.

gnomAD v4.1: 1 of 1,612,464 alleles (0.000062%); highest among the groups gnomAD compares: Non-Finnish European, 0.000085%; no homozygotes.

Submission:

PreventionGenetics, part of Exact Sciences
Classification: Likely benign for SCAPER-related condition. Last evaluated: 2025-09-25. Review status: criteria provided, single submitter. Criteria: ACMG Guidelines, 2015. Collection method: clinical testing. Allele origin: germline.
Comment: This variant is classified as likely benign based on ACMG/AMP sequence variant interpretation guidelines (Richards et al. 2015 PMID: 25741868, with internal and published modifications).